The following is an entry in ClinVar:

NM_144772.3(NAXE):c.399_400del (p.Phe134fs)

Gene: NAXE (NAD(P)HX epimerase; plus strand). Cytogenetic location: 1q22.
Variant type: Microsatellite.
Coding change: c.399_400del on transcript NM_144772.3 (MANE Select); coding-DNA positions 399 to 400, 2 bases deleted (CT; older notation c.399_400delCT).
Protein change: p.Phe134fs; shifts the reading frame from phenylalanine 134.
Molecular consequence: frameshift variant.
Genome position (GRCh38, 1-based): chr1:156,592,472-156,592,473, CT deleted; deleting any 2 consecutive bases within chr1:156,592,470-156,592,473 gives the same sequence; the c. name uses the placement nearest the transcript's 3' end. VCF-style (leftmost placement, unchanged base first): chr1-156592469-ACT-A. GRCh37 (hg19) VCF-style: chr1-156562261-ACT-A.
Other names: short protein forms F134fs.
Identifiers: ClinVar variation 4856332 (VCV004856332.1).

ClinVar aggregate classification (germline): Likely pathogenic (1 of 4 stars; one submission).

Conditions:
Encephalopathy, progressive, early-onset, with brain edema and/or leukoencephalopathy, 1 (PEBEL1). Also called: NAD(P)HX epimerase deficiency. Identifiers: Orphanet 555407, MedGen C4310675, MONDO:0020781, OMIM 617186.

Submission:

3billion
Classification: Likely pathogenic for Encephalopathy, progressive, early-onset, with brain edema and/or leukoencephalopathy, 1. Last evaluated: 2025-10-13. Review status: criteria provided, single submitter. Criteria: ACMG Guidelines, 2015. Collection method: clinical testing. Allele origin: germline. Affected: yes.
Comment: The variant is observed at an extremely low frequency in the gnomAD v4.1.0 dataset (total allele frequency: <0.001%). Predicted Consequence/Location: Frameshift: predicted to result in a loss or disruption of normal protein function through nonsense-mediated decay (NMD) or protein truncation. Multiple pathogenic variants are reported downstream of the variant. Therefore, this variant is classified as Likely pathogenic according to the recommendation of ACMG/AMP guideline.